The following is an entry in ClinVar:

ClinVar aggregate classification (germline): Likely pathogenic (1 of 4 stars; one submission).

Conditions:
FOXL2-related disorder. Also called: FOXL2-related condition.

Submission:

PreventionGenetics, part of Exact Sciences
Classification: Likely pathogenic for FOXL2-related condition. Last evaluated: 2026-01-29. Review status: criteria provided, single submitter. Criteria: ACMG Guidelines, 2015. Collection method: clinical testing. Allele origin: germline.
Comment: The FOXL2 c.507delC variant is predicted to result in a frameshift and premature protein termination (p.Gly170Glufs*101). To our knowledge, this variant has not been reported in the literature. This variant is absent in a large population database (gnomAD), indicating this variant is rare. Frameshift variants in FOXL2 are an established mechanism of disease. This variant is interpreted as likely pathogenic.

NM_023067.4(FOXL2):c.507del (p.Gly170fs)

Gene: FOXL2 (forkhead box L2; minus strand). Cytogenetic location: 3q22.3.
Variant type: Deletion.
Coding change: c.507del on transcript NM_023067.4 (MANE Select); coding-DNA position 507, one base deleted (C; older notation c.507delC).
Protein change: p.Gly170fs; shifts the reading frame from glycine 170.
Molecular consequence: frameshift variant.
Genome position (GRCh38, 1-based): chr3:138,946,216, G deleted on the plus strand (C on the coding strand, the reverse complement: FOXL2 is on the minus strand); the first of 2 consecutive G bases (chr3:138,946,216-138,946,217); deleting either gives the same sequence. VCF-style (leftmost placement, unchanged base first): chr3-138946215-CG-C. GRCh37 (hg19) VCF-style: chr3-138665057-CG-C.
Other names: short protein forms G170fs.
Identifiers: ClinVar variation 4996654 (VCV004996654.1).
Genomic context (GRCh38, chr3:138,946,215, plus strand): 5'-CCAGGTAGCCGTAGCCGTCGGCCCCGGCGCCCGCCACGCCGCACCCGCCTGCGGCGCCTC[CG>C]GCCCCGAAGAGCCCCTTGCCGGGCTGGAAGTGCGCGGGCGGCGGCCGGAAGGGCCTCTTC-3'